The following is an entry in ClinVar:

NM_003285.3(TNR):c.2434G>T (p.Asp812Tyr)

Gene: TNR (tenascin R; minus strand). Cytogenetic location: 1q25.1.
Variant type: single nucleotide variant.
Coding change: c.2434G>T on transcript NM_003285.3 (MANE Select); coding-DNA position 2434, G replaced by T.
Protein change: p.Asp812Tyr; replaces aspartic acid 812 with tyrosine.
Molecular consequence: missense variant.
Genome position (GRCh38, 1-based): chr1:175,365,163, C>A on the plus strand (G>T on the coding strand, the complement: TNR is on the minus strand). VCF-style: chr1-175365163-C-A. GRCh37 (hg19) VCF-style: chr1-175334299-C-A.
Other names: c.1435G>T, p.Asp479Tyr (NM_001328635.2); short protein forms D479Y, D812Y.
Identifiers: ClinVar variation 2207103 (VCV002207103.10), dbSNP rs371427528, ClinGen allele CA1255636.

ClinVar aggregate classification (germline): Uncertain significance. Review status: criteria provided, multiple submitters, no conflicts (2 of 4 stars). 2 submissions from 2 submitters: Uncertain significance (2). Last evaluated 2025-06-01.

Conditions:
Inborn genetic diseases. Identifiers: MedGen C0950123, MeSH D030342.

Allele frequency attached by ClinVar (database versions not stated): gnomAD 0.00001; ExAC 0.00002.
gnomAD v4.1: 28 of 1,614,018 alleles (0.0017%); highest among the groups gnomAD compares: Middle Eastern, 0.033%; no homozygotes.

Submissions (2):

CeGaT Center for Human Genetics Tuebingen
Classification: Uncertain significance. Last evaluated: 2025-06-01. Review status: criteria provided, single submitter. Criteria: CeGaT Center For Human Genetics Tuebingen Variant Classification Criteria Version 2. Collection method: clinical testing. Allele origin: germline. Affected: yes. Observed: 1 variant allele.
Comment: TNR: PM2, BP4

Ambry Genetics
Classification: Uncertain significance for Inborn genetic diseases. Last evaluated: 2022-01-26. Review status: criteria provided, single submitter. Criteria: Ambry Variant Classification Scheme 2023. Collection method: clinical testing. Allele origin: germline.